The following is an entry in ClinVar:

ClinVar aggregate classification (germline): Uncertain significance (1 of 4 stars; one submission).

Allele frequency attached by ClinVar (database versions not stated): gnomAD exomes 0.00002; TOPMed 0.00003; ExAC 0.00004.
gnomAD v4.1: 26 of 1,602,850 alleles (0.0016%); highest among the groups gnomAD compares: East Asian, 0.058%; no homozygotes.

Submission:

Labcorp Genetics (formerly Invitae), Labcorp
Classification: Uncertain significance. Last evaluated: 2025-06-29. Review status: criteria provided, single submitter. Criteria: Invitae Variant Classification Sherloc (09022015). Collection method: clinical testing. Allele origin: germline.
Comment: This sequence change replaces serine, which is neutral and polar, with arginine, which is basic and polar, at codon 110 of the ZNF335 protein (p.Ser110Arg). This variant is present in population databases (rs778564617, gnomAD 0.03%). This variant has not been reported in the literature in individuals affected with ZNF335-related conditions. ClinVar contains an entry for this variant (Variation ID: 1400657). Invitae Evidence Modeling of protein sequence and biophysical properties (such as structural, functional, and spatial information, amino acid conservation, physicochemical variation, residue mobility, and thermodynamic stability) indicates that this missense variant is not expected to disrupt ZNF335 protein function with a negative predictive value of 80%. In summary, the available evidence is currently insufficient to determine the role of this variant in disease. Therefore, it has been classified as a Variant of Uncertain Significance.

NM_022095.4(ZNF335):c.330T>G (p.Ser110Arg)

Gene: ZNF335 (zinc finger protein 335; minus strand). Cytogenetic location: 20q13.12.
Variant type: single nucleotide variant.
Coding change: c.330T>G on transcript NM_022095.4 (MANE Select); coding-DNA position 330, T replaced by G.
Protein change: p.Ser110Arg; replaces serine 110 with arginine.
Molecular consequence: missense variant.
Genome position (GRCh38, 1-based): chr20:45,969,563, A>C on the plus strand (T>G on the coding strand, the complement: ZNF335 is on the minus strand). VCF-style: chr20-45969563-A-C. GRCh37 (hg19) VCF-style: chr20-44598202-A-C.
Other names: short protein forms S110R.
Identifiers: ClinVar variation 1400657 (VCV001400657.8), dbSNP rs778564617, ClinGen allele CA9886128.